The following is an entry in ClinVar:

NM_001191061.2(SLC25A22):c.294-19G>A

Gene: SLC25A22 (solute carrier family 25 member 22; minus strand). Cytogenetic location: 11p15.5.
Variant type: single nucleotide variant.
Coding change: c.294-19G>A on transcript NM_001191061.2 (MANE Select); 19 bases into the intron before coding-DNA position 294, G replaced by A.
Molecular consequence: intron variant.
Genome position (GRCh38, 1-based): chr11:793,007, C>T on the plus strand (G>A on the coding strand, the complement: SLC25A22 is on the minus strand). VCF-style: chr11-793007-C-T. GRCh37 (hg19) VCF-style: chr11-793007-C-T.
Other names: c.294-19G>A (NM_001191060.2, NM_024698.6).
Identifiers: ClinVar variation 1469194 (VCV001469194.6), dbSNP rs1323982646, ClinGen allele CA596805806.

ClinVar aggregate classification (germline): Uncertain significance (1 of 4 stars; one submission).

Conditions:
Developmental and epileptic encephalopathy. Identifiers: MedGen C5779964, MONDO:0100620.

Allele frequency attached by ClinVar (database versions not stated): gnomAD exomes 0.00001 and 0.00002.
gnomAD v4.1: 11 of 1,610,542 alleles (0.00068%); highest among the groups gnomAD compares: Middle Eastern, 0.017%; no homozygotes.

Submission:

Labcorp Genetics (formerly Invitae), Labcorp
Classification: Uncertain significance for Early-infantile DEE. Last evaluated: 2022-02-05. Review status: criteria provided, single submitter. Criteria: Invitae Variant Classification Sherloc (09022015). Collection method: clinical testing. Allele origin: germline.
Comment: In summary, the available evidence is currently insufficient to determine the role of this variant in disease. Therefore, it has been classified as a Variant of Uncertain Significance. Algorithms developed to predict the effect of sequence changes on RNA splicing suggest that this variant may create or strengthen a splice site. This variant has not been reported in the literature in individuals affected with SLC25A22-related conditions. This variant is present in population databases (no rsID available, gnomAD 0.01%). This sequence change falls in intron 5 of the SLC25A22 gene. It does not directly change the encoded amino acid sequence of the SLC25A22 protein.